The following is an entry in ClinVar:

ClinVar aggregate classification (germline): Uncertain significance (1 of 4 stars; one submission).

Conditions:
Spastic paraplegia. Identifiers: MedGen C0037772, HP:0001258.

Allele frequency attached by ClinVar (database versions not stated): ExAC 0.00001; gnomAD 0.00002; gnomAD exomes 0.00002 and 0.00005; TOPMed 0.00003.
gnomAD v4.1: 67 of 1,599,276 alleles (0.0042%); highest among the groups gnomAD compares: African/African-American, 0.008%; no homozygotes.

Submission:

Labcorp Genetics (formerly Invitae), Labcorp
Classification: Uncertain significance for Spastic paraplegia. Last evaluated: 2021-09-24. Review status: criteria provided, single submitter. Criteria: Invitae Variant Classification Sherloc (09022015). Collection method: clinical testing. Allele origin: germline.
Comment: This sequence change replaces isoleucine with valine at codon 253 of the B4GALNT1 protein (p.Ile253Val). The isoleucine residue is highly conserved and there is a small physicochemical difference between isoleucine and valine. This variant is present in population databases (rs749010936, ExAC 0.01%). This variant has not been reported in the literature in individuals with B4GALNT1-related conditions. Algorithms developed to predict the effect of missense changes on protein structure and function output the following: SIFT: "Tolerated"; PolyPhen-2: "Benign"; Align-GVGD: "Class C0". The valine amino acid residue is found in multiple mammalian species, suggesting that this missense change does not adversely affect protein function. These predictions have not been confirmed by published functional studies and their clinical significance is uncertain. Algorithms developed to predict the effect of sequence changes on RNA splicing suggest that this variant may create or strengthen a splice site, but this prediction has not been confirmed by published transcriptional studies. In summary, the available evidence is currently insufficient to determine the role of this variant in disease. Therefore, it has been classified as a Variant of Uncertain Significance.

NM_001478.5(B4GALNT1):c.757A>G (p.Ile253Val)

Gene: B4GALNT1 (beta-1,4-N-acetyl-galactosaminyltransferase 1; minus strand). Cytogenetic location: 12q13.3.
Variant type: single nucleotide variant.
Coding change: c.757A>G on transcript NM_001478.5 (MANE Select); coding-DNA position 757, A replaced by G.
Protein change: p.Ile253Val; replaces isoleucine 253 with valine.
Molecular consequence: missense variant.
Genome position (GRCh38, 1-based): chr12:57,629,102, T>C on the plus strand (A>G on the coding strand, the complement: B4GALNT1 is on the minus strand). VCF-style: chr12-57629102-T-C. GRCh37 (hg19) VCF-style: chr12-58022885-T-C.
Other names: c.592A>G, p.Ile198Val (NM_001276468.2); short protein forms I253V, I198V.
Identifiers: ClinVar variation 1426029 (VCV001426029.5), dbSNP rs749010936, ClinGen allele CA6655650.